The following is an entry in ClinVar:

NM_024422.6(DSC2):c.1301A>G (p.Gln434Arg)

Gene: DSC2 (desmocollin 2; minus strand). Cytogenetic location: 18q12.1.
Variant type: single nucleotide variant.
Coding change: c.1301A>G on transcript NM_024422.6 (MANE Select); coding-DNA position 1301, A replaced by G.
Protein change: p.Gln434Arg; replaces glutamine 434 with arginine.
Molecular consequence: missense variant.
Genome position (GRCh38, 1-based): chr18:31,080,315, T>C on the plus strand (A>G on the coding strand, the complement: DSC2 is on the minus strand). VCF-style: chr18-31080315-T-C. GRCh37 (hg19) VCF-style: chr18-28660281-T-C.
Other names: c.1301A>G (NM_024422.3); c.872A>G, p.Gln291Arg (NM_001406506.1, NM_001406507.1); c.1301A>G, p.Gln434Arg (NM_004949.5); short protein forms Q291R, Q434R.
Identifiers: ClinVar variation 3386529 (VCV003386529.2).

ClinVar aggregate classification (germline): Conflicting classifications of pathogenicity. Review status: criteria provided, conflicting classifications (1 of 4 stars). 2 submissions from 2 submitters: Uncertain significance (1); Likely benign (1). Last evaluated 2025-08-21.

Conditions:
Cardiovascular phenotype. Identifiers: MedGen CN230736.
Familial isolated arrhythmogenic right ventricular dysplasia. Identifiers: Orphanet 217656, MedGen C4274968, MONDO:0016342.

gnomAD v4.1: 2 of 1,614,016 alleles (0.00012%); highest among the groups gnomAD compares: Non-Finnish European, 0.000085%; no homozygotes.

Submissions (2):

Ambry Genetics
Classification: Likely benign for Cardiovascular phenotype. Last evaluated: 2025-08-21. Review status: criteria provided, single submitter. Criteria: Ambry Variant Classification Scheme 2023. Collection method: clinical testing. Allele origin: germline.

All of Us Research Program, National Institutes of Health
Classification: Uncertain significance for Familial isolated arrhythmogenic right ventricular dysplasia. Last evaluated: 2024-02-22. Review status: criteria provided, single submitter. Criteria: ACMG Guidelines, 2015. Collection method: clinical testing. Allele origin: germline. Inheritance: Autosomal dominant inheritance. Observed: 1 variant allele, 1 heterozygote.
Comment: This missense variant replaces glutamine with arginine at codon 434 of the DSC2 protein. Computational prediction suggests that this variant may not impact protein structure and function (internally defined REVEL score threshold <= 0.5, PMID: 27666373). To our knowledge, functional studies have not been reported for this variant. This variant has not been reported in individuals affected with DSC2-related disorders in the literature. This variant has been identified in 3/282232 chromosomes in the general population by the Genome Aggregation Database (gnomAD). The available evidence is insufficient to determine the role of this variant in disease conclusively. Therefore, this variant is classified as a Variant of Uncertain Significance.

This study involves interpretation of variants in research participants for the purpose of population health screening. Participant phenotype was not available at the time of variant classification. Additional details can be found in publication PMID: 35346344, PMCID: PMC8962531